The following is an entry in ClinVar:

NM_004656.4(BAP1):c.1172C>G (p.Pro391Arg)

Gene: BAP1 (BRCA1 associated deubiquitinase 1; minus strand). Cytogenetic location: 3p21.1.
Variant type: single nucleotide variant.
Coding change: c.1172C>G on transcript NM_004656.4 (MANE Select); coding-DNA position 1172, C replaced by G.
Protein change: p.Pro391Arg; replaces proline 391 with arginine.
Molecular consequence: missense variant.
Genome position (GRCh38, 1-based): chr3:52,404,531, G>C on the plus strand (C>G on the coding strand, the complement: BAP1 is on the minus strand). VCF-style: chr3-52404531-G-C. GRCh37 (hg19) VCF-style: chr3-52438547-G-C.
Other names: c.1118C>G, p.Pro373Arg (NM_001410772.1); short protein forms P391R, P373R.
Identifiers: ClinVar variation 3477570 (VCV003477570.1).

ClinVar aggregate classification (germline): Uncertain significance (1 of 4 stars; one submission).

Conditions:
Hereditary cancer-predisposing syndrome. Also called: Tumor predisposition; Neoplastic Syndromes, Hereditary; Hereditary neoplastic syndrome; Hereditary Cancer Syndrome. Identifiers: Orphanet 140162, MedGen C0027672, MeSH D009386, MONDO:0015356.

Submission:

Ambry Genetics
Classification: Uncertain significance for Hereditary cancer-predisposing syndrome. Last evaluated: 2024-09-12. Review status: criteria provided, single submitter. Criteria: Ambry Variant Classification Scheme 2023. Collection method: clinical testing. Allele origin: germline.
Comment: The p.P391R variant (also known as c.1172C>G), located in coding exon 12 of the BAP1 gene, results from a C to G substitution at nucleotide position 1172. The proline at codon 391 is replaced by arginine, an amino acid with dissimilar properties. This amino acid position is conserved. In addition, this alteration is predicted to be tolerated by in silico analysis. Based on the available evidence, the clinical significance of this variant remains unclear.